The following is an entry in ClinVar:

ClinVar aggregate classification (germline): Likely benign (1 of 4 stars; one submission).

Allele frequency attached by ClinVar (database versions not stated): gnomAD exomes below 0.00001.

Submission:

GeneDx
Classification: Likely benign. Last evaluated: 2017-12-26. Review status: criteria provided, single submitter. Criteria: GeneDx Variant Classification (06012015). Collection method: clinical testing. Allele origin: germline. Affected: yes.
Comment: This variant is considered likely benign or benign based on one or more of the following criteria: it is a conservative change, it occurs at a poorly conserved position in the protein, it is predicted to be benign by multiple in silico algorithms, and/or has population frequency not consistent with disease.

NM_002878.4(RAD51D):c.-27C>T

Genes: RAD51D (RAD51 paralog D; minus strand), RAD51L3-RFFL (RAD51L3-RFFL readthrough; minus strand). Cytogenetic location: 17q12.
Variant type: single nucleotide variant.
Coding change: c.-27C>T on transcript NM_002878.4 (MANE Select); 27 bases upstream of the start codon, C replaced by T.
Molecular consequence: 5 prime UTR variant. On other transcripts: non-coding transcript variant (2).
Genome position (GRCh38, 1-based): chr17:35,119,640, G>A on the plus strand (C>T on the coding strand, the complement: RAD51D is on the minus strand). VCF-style: chr17-35119640-G-A. GRCh37 (hg19) VCF-style: chr17-33446659-G-A.
Other names: c.-27C>T (NM_001142571.2, NM_133629.3).
Identifiers: ClinVar variation 514429 (VCV000514429.1), dbSNP rs1057521550, ClinGen allele CA625782599.